The following is an entry in ClinVar:

NM_000089.4(COL1A2):c.2095GCTGGTCCT[2] (p.699AGP[2])

Gene: COL1A2 (collagen type I alpha 2 chain; plus strand). Cytogenetic location: 7q21.3.
Variant type: Microsatellite.
Coding change: c.2095GCTGGTCCT[2] on transcript NM_000089.4 (MANE Select); two copies in a row of the 9-base unit GCTGGTCCT starting at c.2095; the reference has three copies in a row; one copy, 9 bases deleted; also written c.2113_2121del.
Protein change: p.699AGP[2].
Molecular consequence: inframe deletion.
Genome position (GRCh38, 1-based): chr7:94,420,266-94,420,274, GCTGGTCCT deleted; deleting any 9 consecutive bases within chr7:94,420,246-94,420,274 gives the same sequence; the position shown is the placement nearest the transcript's 3' end. VCF-style (leftmost placement, unchanged base first): chr7-94420245-GCTGCTGGTC-G. GRCh37 (hg19) VCF-style: chr7-94049557-GCTGCTGGTC-G.
Other names: c.2113_2121delGCTGGTCCT (NM_000089.3); c.2113_2121del (NM_000089.3).
Identifiers: ClinVar variation 1211729 (VCV001211729.4), dbSNP rs72658162, ClinGen allele CA162935358.
Genomic context (GRCh38, chr7:94,420,245, plus strand): 5'-GCATCTATGTCAGGCACATTAACAGATTCATCTTTGGTCCCATTATAGGGCGAAGCTGGG[GCTGCTGGTC>G]CTGCTGGTCCTGCTGGTCCTCGGGGAAGCCCTGTAAGTAAGAACCTGGGTCATTTTGTAT-3'

ClinVar aggregate classification (germline): Likely pathogenic (1 of 4 stars; one submission).

Submission:

GeneDx
Classification: Likely pathogenic. Last evaluated: 2024-01-25. Review status: criteria provided, single submitter. Criteria: GeneDx Variant Classification Process June 2021. Collection method: clinical testing. Allele origin: germline. Affected: yes.
Comment: In-frame deletion of 3 amino acids in a non-repeat region predicted to critically alter the protein within triple helical region; Not observed at significant frequency in large population cohorts (gnomAD); In silico analysis supports a deleterious effect on protein structure/function; This variant is associated with the following publications: (PMID: 27535533, 11668615, 18996919)